The following is an entry in ClinVar:

NM_012463.4(ATP6V0A2):c.521+14C>T

Gene: ATP6V0A2 (ATPase H+ transporting V0 subunit a2; plus strand). Cytogenetic location: 12q24.31.
Variant type: single nucleotide variant.
Coding change: c.521+14C>T on transcript NM_012463.4 (MANE Select); 14 bases into the intron after coding-DNA position 521, C replaced by T.
Molecular consequence: intron variant.
Genome position (GRCh38, 1-based): chr12:123,726,299, C>T. VCF-style: chr12-123726299-C-T. GRCh37 (hg19) VCF-style: chr12-124210846-C-T.
Identifiers: ClinVar variation 682219 (VCV000682219.10), dbSNP rs747194853, ClinGen allele CA6861641.
Genomic context (GRCh38, chr12:123,726,299, plus strand): 5'-TCTTTGTTGGATTACAGCTGTATGCAGAGGCTGGGAGCAAAACTGGGGTAGGTGACAAGG[C>T]CTGGGGTGTCAGGCTTCATACTGCCCTTCTTGTAAAAGGCAGATGAGCTCCATAGAAGGG-3'

ClinVar aggregate classification (germline): Likely benign. Review status: criteria provided, multiple submitters, no conflicts (2 of 4 stars). 2 submissions from 2 submitters: Likely benign (2). Last evaluated 2026-01-24.

Conditions:
ALG9 congenital disorder of glycosylation (CDG1L). Also called: CDG Il; CONGENITAL DISORDER OF GLYCOSYLATION, TYPE Il; ALG9-CDG. Identifiers: Orphanet 79328, MedGen C2931006, MONDO:0012117, OMIM 608776.

Allele frequency attached by ClinVar (database versions not stated): gnomAD 0.00003; TOPMed 0.00004; ExAC 0.00005.
gnomAD v4.1: 88 of 1,599,790 alleles (0.0055%); highest among the groups gnomAD compares: Admixed American, 0.087%; no homozygotes.

Submissions (2):

Labcorp Genetics (formerly Invitae), Labcorp
Classification: Likely benign for ALG9 congenital disorder of glycosylation. Last evaluated: 2026-01-24. Review status: criteria provided, single submitter. Criteria: Invitae Variant Classification Sherloc (09022015). Collection method: clinical testing. Allele origin: germline.

GeneDx
Classification: Likely benign. Last evaluated: 2018-04-19. Review status: criteria provided, single submitter. Criteria: GeneDx Variant Classification (06012015). Collection method: clinical testing. Allele origin: germline. Affected: yes.
Comment: This variant is considered likely benign or benign based on one or more of the following criteria: it is a conservative change, it occurs at a poorly conserved position in the protein, it is predicted to be benign by multiple in silico algorithms, and/or has population frequency not consistent with disease.